The following is an entry in ClinVar:

ClinVar aggregate classification (germline): Uncertain significance (1 of 4 stars; one submission).

Conditions:
Hypertrophic cardiomyopathy. Also called: HYPERTROPHIC MYOCARDIOPATHY. Identifiers: Orphanet 217569, MedGen C0007194, MeSH D002312, MONDO:0005045, HP:0001639.

gnomAD v4.1: 2 of 1,552,624 alleles (0.00013%); highest among the groups gnomAD compares: South Asian, 0.0012%; no homozygotes.

Submission:

Labcorp Genetics (formerly Invitae), Labcorp
Classification: Uncertain significance for Hypertrophic cardiomyopathy. Last evaluated: 2025-05-15. Review status: criteria provided, single submitter. Criteria: Invitae Variant Classification Sherloc (09022015). Collection method: clinical testing. Allele origin: germline.
Comment: This sequence change replaces threonine, which is neutral and polar, with alanine, which is neutral and non-polar, at codon 161 of the JPH2 protein (p.Thr161Ala). The frequency data for this variant in the population databases is considered unreliable, as metrics indicate poor data quality at this position in the gnomAD database. This variant has not been reported in the literature in individuals affected with JPH2-related conditions. An algorithm developed to predict the effect of missense changes on protein structure and function (PolyPhen-2) suggests that this variant is likely to be disruptive. This variant disrupts the p.Thr161 amino acid residue in JPH2. Other variant(s) that disrupt this residue have been determined to be pathogenic (PMID: 30235249, 33673806). This suggests that this residue is clinically significant, and that variants that disrupt this residue are likely to be disease-causing. In summary, the available evidence is currently insufficient to determine the role of this variant in disease. Therefore, it has been classified as a Variant of Uncertain Significance.

Literature cited by the submitters: PubMed 30235249; PubMed 33673806.

NM_020433.5(JPH2):c.481A>G (p.Thr161Ala)

Gene: JPH2 (junctophilin 2; minus strand). Cytogenetic location: 20q13.12.
Variant type: single nucleotide variant.
Coding change: c.481A>G on transcript NM_020433.5 (MANE Select); coding-DNA position 481, A replaced by G.
Protein change: p.Thr161Ala; replaces threonine 161 with alanine.
Molecular consequence: missense variant.
Genome position (GRCh38, 1-based): chr20:44,160,306, T>C on the plus strand (A>G on the coding strand, the complement: JPH2 is on the minus strand). VCF-style: chr20-44160306-T-C. GRCh37 (hg19) VCF-style: chr20-42788946-T-C.
Other names: short protein forms T161A.
Identifiers: ClinVar variation 4740770 (VCV004740770.1).
Genomic context (GRCh38, chr20:44,160,306, plus strand): 5'-CGGGAGAGTCCGGGGCCACCGTGCCGTTGCTGTGCTCGCTGCGCAGGGACGACAGCGACG[T>C]GCGCAGCGGCGAGCGCACCACCACGGCCATCCCGTAGGGCACGCTCTGGCGTACTCCGTA-3'
Protein context (NP_065166.2, residues 151-171): MAVVVRSPLR[Thr161Ala]SLSSLRSEHS